The following is an entry in ClinVar:

ClinVar aggregate classification (germline): Uncertain significance (1 of 4 stars; one submission).

Allele frequency attached by ClinVar (database versions not stated): TOPMed below 0.00001; ExAC 0.00001; ESP Exome Variant Server 0.00008.
gnomAD v4.1: 28 of 1,611,326 alleles (0.0017%); highest among the groups gnomAD compares: Non-Finnish European, 0.0022%; no homozygotes.

Submission:

Labcorp Genetics (formerly Invitae), Labcorp
Classification: Uncertain significance. Last evaluated: 2021-12-08. Review status: criteria provided, single submitter. Criteria: Invitae Variant Classification Sherloc (09022015). Collection method: clinical testing. Allele origin: germline.
Comment: This sequence change replaces proline, which is neutral and non-polar, with serine, which is neutral and polar, at codon 1762 of the USH2A protein (p.Pro1762Ser). This variant is present in population databases (rs375496315, gnomAD 0.002%). This variant has not been reported in the literature in individuals affected with USH2A-related conditions. Algorithms developed to predict the effect of missense changes on protein structure and function (SIFT, PolyPhen-2, Align-GVGD) all suggest that this variant is likely to be tolerated. In summary, the available evidence is currently insufficient to determine the role of this variant in disease. Therefore, it has been classified as a Variant of Uncertain Significance.

NM_206933.4(USH2A):c.5284C>T (p.Pro1762Ser)

Genes: USH2A-AS2 (USH2A antisense RNA 2; plus strand), USH2A (usherin; minus strand). Cytogenetic location: 1q41.
Variant type: single nucleotide variant.
Coding change: c.5284C>T on transcript NM_206933.4 (MANE Select); coding-DNA position 5284, C replaced by T.
Protein change: p.Pro1762Ser; replaces proline 1762 with serine.
Molecular consequence: missense variant.
Genome position (GRCh38, 1-based): chr1:216,083,470, G>A on the plus strand (C>T on the coding strand, the complement: USH2A is on the minus strand). VCF-style: chr1-216083470-G-A. GRCh37 (hg19) VCF-style: chr1-216256812-G-A.
Other names: short protein forms P1762S.
Identifiers: ClinVar variation 1424109 (VCV001424109.3), dbSNP rs375496315, ClinGen allele CA1395491.